The following is an entry in ClinVar:

NM_004370.6(COL12A1):c.5005G>C (p.Glu1669Gln)

Gene: COL12A1 (collagen type XII alpha 1 chain; minus strand). Cytogenetic location: 6q13.
Variant type: single nucleotide variant.
Coding change: c.5005G>C on transcript NM_004370.6 (MANE Select); coding-DNA position 5005, G replaced by C.
Protein change: p.Glu1669Gln; replaces glutamic acid 1669 with glutamine.
Molecular consequence: missense variant.
Genome position (GRCh38, 1-based): chr6:75,138,914, C>G on the plus strand (G>C on the coding strand, the complement: COL12A1 is on the minus strand). VCF-style: chr6-75138914-C-G. GRCh37 (hg19) VCF-style: chr6-75848630-C-G.
Other names: p.Glu1669Gln; c.1513G>C, p.Glu505Gln (NM_080645.3); short protein forms E1669Q, E505Q.
Identifiers: ClinVar variation 475871 (VCV000475871.50), dbSNP rs181511246, ClinGen allele CA3893278.

ClinVar aggregate classification (germline): Benign/Likely benign. Review status: criteria provided, multiple submitters, no conflicts (2 of 4 stars). 7 submissions from 7 submitters: Benign (1); Likely benign (5). 1 of the submissions does not count toward it. Last evaluated 2026-09-01.

Conditions:
COL12A1-related disorder. Also called: COL12A1-related condition.
Ullrich congenital muscular dystrophy 2 (UCMD2). Identifiers: Orphanet 75840, MedGen C4225314, MONDO:0014654, OMIM 616470.
Bethlem myopathy 2 (BTHLM2). Identifiers: Orphanet 536516, Orphanet 610, MedGen C4225313, MONDO:0034022, OMIM 616471.

Allele frequency attached by ClinVar (database versions not stated): 1000 Genomes Project 0.00080; ExAC 0.00084; 1000 Genomes Project 30x 0.00094; gnomAD exomes 0.00108 and 0.00242; TOPMed 0.00141; gnomAD 0.00145 and 0.00147; ESP Exome Variant Server 0.00151.
gnomAD v4.1: 3,754 of 1,614,100 alleles (0.23%); highest among the groups gnomAD compares: Non-Finnish European, 0.3%; 8 homozygotes.

Submissions (7):

CeGaT Center for Human Genetics Tuebingen
Classification: Likely benign. Last evaluated: 2026-09-01. Review status: criteria provided, single submitter. Criteria: CeGaT Center For Human Genetics Tuebingen Variant Classification Criteria Version 2. Collection method: clinical testing. Allele origin: germline. Affected: yes. Observed: 8 variant alleles.
Comment: COL12A1: BP4, BS2

Women's Health and Genetics/Laboratory Corporation of America, LabCorp
Classification: Likely benign. Last evaluated: 2026-04-22. Review status: criteria provided, single submitter. Criteria: LabCorp Variant Classification Summary - May 2015. Collection method: clinical testing. Allele origin: germline.
Comment: Variant summary: COL12A1 c.5005G>C (p.Glu1669Gln) results in a conservative amino acid change located in the Fibronectin type-III domain (IPR003961) of the encoded protein sequence. Algorithms developed to predict the effect of missense changes on protein structure and function all suggest that this variant is likely to be tolerated. The variant allele was found at a frequency of 0.0024 in 1461784 control chromosomes, predominantly at a frequency of 0.003 within the Non-Finnish European subpopulation in the gnomAD database, including 8 homozygotes. This frequency is not significantly higher than estimated for disease-causing variants in COL12A1, however, the presence of 8 homozygotes suggests that the variant is benign. To our knowledge, no occurrence of c.5005G>C in individuals affected with COL12A1-related conditions and no experimental evidence demonstrating its impact on protein function have been reported. ClinVar contains an entry for this variant (Variation ID: 475871). Based on the evidence outlined above, the variant was classified as likely benign.

Labcorp Genetics (formerly Invitae), Labcorp
Classification: Likely benign for Bethlem myopathy 2; Ullrich congenital muscular dystrophy 2. Last evaluated: 2026-02-02. Review status: criteria provided, single submitter. Criteria: Invitae Variant Classification Sherloc (09022015). Collection method: clinical testing. Allele origin: germline.

Blueprint Genetics
Classification: Likely benign. Last evaluated: 2024-11-14. Review status: criteria provided, single submitter. Criteria: ACMG Guidelines, 2015. Collection method: clinical testing. Allele origin: germline.

Mayo Clinic Laboratories, Mayo Clinic
Classification: Benign. Last evaluated: 2023-02-15. Review status: criteria provided, single submitter. Criteria: ACMG Guidelines, 2015. Collection method: clinical testing. Allele origin: germline. Observed: 14 variant alleles.
Comment: BS1, BS2, BP4

GeneDx
Classification: Likely benign. Last evaluated: 2021-01-08. Review status: criteria provided, single submitter. Criteria: GeneDx Variant Classification Process June 2021. Collection method: clinical testing. Allele origin: germline. Affected: yes.

PreventionGenetics, part of Exact Sciences
Classification: Likely benign for COL12A1-related condition. Last evaluated: 2021-05-04. Review status: no assertion criteria provided. Collection method: clinical testing. Allele origin: germline. Not counted in ClinVar's aggregate classification.
Comment: This variant is classified as likely benign based on ACMG/AMP sequence variant interpretation guidelines (Richards et al. 2015 PMID: 25741868, with internal and published modifications).